The following is an entry in ClinVar:

NM_000501.4(ELN):c.1549C>T (p.Pro517Ser)

Genes: ELN (elastin; plus strand), ELN-AS1 (ELN antisense RNA 1; minus strand). Cytogenetic location: 7q11.23.
Variant type: single nucleotide variant.
Coding change: c.1549C>T on transcript NM_000501.4 (MANE Select); coding-DNA position 1549, C replaced by T.
Protein change: p.Pro517Ser; replaces proline 517 with serine.
Molecular consequence: missense variant. On other transcripts: non-coding transcript variant (1).
Genome position (GRCh38, 1-based): chr7:74,060,020, C>T. VCF-style: chr7-74060020-C-T. GRCh37 (hg19) VCF-style: chr7-73474350-C-T.
Other names: c.1462C>T, p.Pro488Ser (NM_001081752.3); c.1507C>T, p.Pro503Ser (NM_001081753.3); c.1564C>T, p.Pro522Ser (NM_001081754.3); c.1492C>T, p.Pro498Ser (NM_001081755.3); c.1549C>T, p.Pro517Ser (NM_001278912.2); c.1306C>T, p.Pro436Ser (NM_001278913.2); c.1477C>T, p.Pro493Ser (NM_001278914.2); c.1567C>T, p.Pro523Ser (NM_001278915.2); and 4 more; short protein forms P493S, P507S, P522S, P517S, P523S, P484S, P498S, P436S.
Identifiers: ClinVar variation 3709029 (VCV003709029.2).

ClinVar aggregate classification (germline): Uncertain significance (1 of 4 stars; one submission).

Conditions:
Supravalvar aortic stenosis (SVAS). Also called: Supravalvar aortic stenosis, Eisenberg type. Identifiers: Orphanet 3193, MedGen C0003499, MONDO:0008504, OMIM 185500, HP:0004381.

gnomAD v4.1: 2 of 1,613,884 alleles (0.00012%); highest among the groups gnomAD compares: Admixed American, 0.0033%; no homozygotes.

Submission:

Labcorp Genetics (formerly Invitae), Labcorp
Classification: Uncertain significance for Supravalvar aortic stenosis. Last evaluated: 2024-06-02. Review status: criteria provided, single submitter. Criteria: Invitae Variant Classification Sherloc (09022015). Collection method: clinical testing. Allele origin: germline.
Comment: This sequence change replaces proline, which is neutral and non-polar, with serine, which is neutral and polar, at codon 546 of the ELN protein (p.Pro546Ser). This variant is present in population databases (rs782149483, gnomAD 0.003%). This variant has not been reported in the literature in individuals affected with ELN-related conditions. Experimental studies and prediction algorithms are not available or were not evaluated, and the functional significance of this variant is currently unknown. In summary, the available evidence is currently insufficient to determine the role of this variant in disease. Therefore, it has been classified as a Variant of Uncertain Significance.